The following is an entry in ClinVar:

NM_020312.4(COQ9):c.462T>C (p.Asn154=)

Gene: COQ9 (coenzyme Q9; plus strand). Cytogenetic location: 16q21.
Variant type: single nucleotide variant.
Coding change: c.462T>C on transcript NM_020312.4 (MANE Select); coding-DNA position 462, T replaced by C.
Protein change: p.Asn154=; no amino-acid change (asparagine 154 retained).
Molecular consequence: synonymous variant.
Genome position (GRCh38, 1-based): chr16:57,456,587, T>C. VCF-style: chr16-57456587-T-C. GRCh37 (hg19) VCF-style: chr16-57490499-T-C.
Other names: p.Asn154=.
Identifiers: ClinVar variation 3019800 (VCV003019800.4), dbSNP rs147076111, ClinGen allele CA8076214.
Genomic context (GRCh38, chr16:57,456,587, plus strand): 5'-AGCCAGCATGTTCGGGAAGGATGGCAGTGAGCTAATACTGCATTTTGTGACCCAGTGCAA[T>C]ACCCGGCTCACACGTGTGCTAGAAGAGGAGCAGAAGCTGGTACAGTTGGGCCAGGCGGAG-3'
Protein context (NP_064708.1, residues 144-164): ELILHFVTQC[Asn154=]TRLTRVLEEE

ClinVar aggregate classification (germline): Likely benign. Review status: criteria provided, multiple submitters, no conflicts (2 of 4 stars). 2 submissions from 2 submitters: Likely benign (2). Last evaluated 2025-09-19.

Allele frequency attached by ClinVar (database versions not stated): gnomAD exomes 0.00001; gnomAD 0.00006; ExAC 0.00007; TOPMed 0.00009; ESP Exome Variant Server 0.00015.
gnomAD v4.1: 19 of 1,613,996 alleles (0.0012%); highest among the groups gnomAD compares: African/African-American, 0.024%; no homozygotes.

Submissions (2):

Mayo Clinic Laboratories, Mayo Clinic
Classification: Likely benign. Last evaluated: 2025-09-19. Review status: criteria provided, single submitter. Criteria: ACMG Guidelines, 2015. Collection method: clinical testing. Allele origin: germline. Observed: 1 variant allele.
Comment: BP4, BP7

Labcorp Genetics (formerly Invitae), Labcorp
Classification: Likely benign. Last evaluated: 2025-06-12. Review status: criteria provided, single submitter. Criteria: Invitae Variant Classification Sherloc (09022015). Collection method: clinical testing. Allele origin: germline.